The following is an entry in ClinVar:

NM_001303052.2(MYT1L):c.1673G>A (p.Arg558His)

Gene: MYT1L (myelin transcription factor 1 like; minus strand). Cytogenetic location: 2p25.3.
Variant type: single nucleotide variant.
Coding change: c.1673G>A on transcript NM_001303052.2 (MANE Select); coding-DNA position 1673, G replaced by A.
Protein change: p.Arg558His; replaces arginine 558 with histidine.
Molecular consequence: missense variant.
Genome position (GRCh38, 1-based): chr2:1,912,056, C>T on the plus strand (G>A on the coding strand, the complement: MYT1L is on the minus strand). VCF-style: chr2-1912056-C-T. GRCh37 (hg19) VCF-style: chr2-1915828-C-T.
Other names: c.1667G>A (NM_015025.2); c.1673G>A, p.Arg558His (NM_001329844.2, NM_001329845.1, NM_001329851.3); c.1667G>A, p.Arg556His (NM_001329846.3, NM_001329847.2, NM_001329848.1 and 3 more transcripts); short protein forms R556H, R558H.
Identifiers: ClinVar variation 928812 (VCV000928812.4), dbSNP rs746083137, ClinGen allele CA1514181.

ClinVar aggregate classification (germline): Uncertain significance. Review status: criteria provided, multiple submitters, no conflicts (2 of 4 stars). 3 submissions from 3 submitters: Uncertain significance (3). Last evaluated 2023-11-22.

Conditions:
Early onset severe obesity. Identifiers: MedGen C4013980.
Inborn genetic diseases. Identifiers: MedGen C0950123, MeSH D030342.

Allele frequency attached by ClinVar (database versions not stated): gnomAD exomes below 0.00001 and 0.00001; ExAC 0.00001.
gnomAD v4.1: 4 of 1,598,646 alleles (0.00025%); highest among the groups gnomAD compares: Admixed American, 0.0017%; no homozygotes.

Submissions (3):

Cambridge Genomics Laboratory, East Genomic Laboratory Hub, NHS Genomic Medicine Service
Classification: Uncertain significance for Severe early-onset obesity. Last evaluated: 2023-11-22. Review status: criteria provided, single submitter. Criteria: ACGS Best Practice Guidelines for Variant Classification in Rare Disease 2020. Collection method: clinical testing. Allele origin: germline. Affected: yes.
Comment: The missense variant NM_015025.4(MYT1L):c.1667G>A (p.Arg556His) causes a change at the same amino acid residue as a previously established pathogenic variant. (PM5_Supporting - Supporting) | The p.Arg556His variant is observed in 1/32.954 (0.003%) alleles from individuals of gnomAD Latino background in gnomAD All. The p.Arg556His variant is novel (not in any individuals) in 1kG All. The p.Arg556His variant is novel (not in any individuals) in gnomAD Genomes v3 All. (PM2 - Moderate) | The gene MYT1L has a low rate of benign missense variation as indicated by a high missense variants Z-Score of 4.79. The gene MYT1L contains 24 pathogenic missense variants, indicating that missense variants are a common mechanism of disease in this gene. (PP2 - Supporting) | 4 variants within 6 amino acid positions of the variant p.Arg556His have been shown to be pathogenic, while none have been shown to be benign. (PM1 - Moderate) | The p.Arg556His variant is not predicted to introduce a novel splice site by any splice site algorithm. (BP4 - Supporting)

Ambry Genetics
Classification: Uncertain significance for Inborn genetic diseases. Last evaluated: 2022-10-06. Review status: criteria provided, single submitter. Criteria: Ambry Variant Classification Scheme 2023. Collection method: clinical testing. Allele origin: germline.

Women's Health and Genetics/Laboratory Corporation of America, LabCorp
Classification: Uncertain significance. Last evaluated: 2019-08-14. Review status: criteria provided, single submitter. Criteria: LabCorp Variant Classification Summary - May 2015. Collection method: clinical testing. Allele origin: germline.
Comment: Variant summary: MYT1L c.1667G>A (p.Arg556His) results in a non-conservative amino acid change located in the Zinc finger, C2H2C-type (IPR002515) of the encoded protein sequence. Four of five in-silico tools predict a damaging effect of the variant on protein function. The variant allele was found at a frequency of 8.2e-06 in 243794 control chromosomes (gnomAD). The available data on variant occurrences in the general population are insufficient to allow any conclusion about variant significance. To our knowledge, no occurrence of c.1667G>A in individuals affected with Mental retardation, autosomal dominant 39 and no experimental evidence demonstrating its impact on protein function have been reported. No submitters have provided clinical-significance assessments for this variant to ClinVar after 2014. Based on the evidence outlined above, the variant was classified as uncertain significance.